The following is an entry in ClinVar:

ClinVar aggregate classification (germline): Uncertain significance (1 of 4 stars; one submission).

Conditions:
Cardiovascular phenotype. Identifiers: MedGen CN230736.

Allele frequency attached by ClinVar (database versions not stated): gnomAD exomes below 0.00001.
gnomAD v4.1: 2 of 1,613,958 alleles (0.00012%); highest among the groups gnomAD compares: Non-Finnish European, 0.00017%; no homozygotes.

Submission:

Ambry Genetics
Classification: Uncertain significance for Cardiovascular phenotype. Last evaluated: 2023-05-22. Review status: criteria provided, single submitter. Criteria: Ambry Variant Classification Scheme 2023. Collection method: clinical testing. Allele origin: germline.
Comment: The p.L277P variant (also known as c.830T>C), located in coding exon 7 of the TRPM4 gene, results from a T to C substitution at nucleotide position 830. The leucine at codon 277 is replaced by proline, an amino acid with similar properties. This amino acid position is conserved. In addition, this alteration is predicted to be deleterious by in silico analysis. Since supporting evidence is limited at this time, the clinical significance of this alteration remains unclear.

NM_017636.4(TRPM4):c.830T>C (p.Leu277Pro)

Gene: TRPM4 (transient receptor potential cation channel subfamily M member 4; plus strand). Cytogenetic location: 19q13.33.
Variant type: single nucleotide variant.
Coding change: c.830T>C on transcript NM_017636.4 (MANE Select); coding-DNA position 830, T replaced by C.
Protein change: p.Leu277Pro; replaces leucine 277 with proline.
Molecular consequence: missense variant. On other transcripts: 5 prime UTR variant (2).
Genome position (GRCh38, 1-based): chr19:49,171,390, T>C. VCF-style: chr19-49171390-T-C. GRCh37 (hg19) VCF-style: chr19-49674647-T-C.
Other names: c.830T>C, p.Leu277Pro (NM_001195227.2); c.485T>C, p.Leu162Pro (NM_001321281.2); c.-724T>C (NM_001321282.2); c.308T>C, p.Leu103Pro (NM_001321283.2); c.-20T>C (NM_001321285.2); short protein forms L162P, L277P, L103P.
Identifiers: ClinVar variation 2563512 (VCV002563512.2), dbSNP rs2514069856, ClinGen allele CA406793704.